The following is an entry in ClinVar:

NM_012330.4(KAT6B):c.928+6C>T

Gene: KAT6B (lysine acetyltransferase 6B; plus strand). Cytogenetic location: 10q22.2.
Variant type: single nucleotide variant.
Coding change: c.928+6C>T on transcript NM_012330.4 (MANE Select); 6 bases into the intron after coding-DNA position 928, C replaced by T.
Molecular consequence: intron variant.
Genome position (GRCh38, 1-based): chr10:74,970,107, C>T. VCF-style: chr10-74970107-C-T. GRCh37 (hg19) VCF-style: chr10-76729865-C-T.
Other names: c.928+6C>T (NM_001370139.1, NM_001370136.1, NM_001370138.1 and 9 more transcripts); c.846+332C>T (NM_001370133.1); c.193-9117C>T (NM_001370134.1); c.192+10029C>T (NM_001370135.1).
Identifiers: ClinVar variation 3699841 (VCV003699841.2).

ClinVar aggregate classification (germline): Uncertain significance (1 of 4 stars; one submission).

Conditions:
Genitopatellar syndrome (GTPTS). Also called: ABSENT PATELLAE, SCROTAL HYPOPLASIA, RENAL ANOMALIES, FACIAL DYSMORPHISM, AND MENTAL RETARDATION; Genitopatellar syndrome (GPS). Identifiers: Orphanet 85201, MedGen C1853566, MONDO:0011640, OMIM 606170.

gnomAD v4.1: 1 of 1,593,146 alleles (0.000063%); no homozygotes.

Submission:

Labcorp Genetics (formerly Invitae), Labcorp
Classification: Uncertain significance for Genitopatellar syndrome. Last evaluated: 2024-11-06. Review status: criteria provided, single submitter. Criteria: Invitae Variant Classification Sherloc (09022015). Collection method: clinical testing. Allele origin: germline.
Comment: This sequence change falls in intron 6 of the KAT6B gene. It does not directly change the encoded amino acid sequence of the KAT6B protein. It affects a nucleotide within the consensus splice site. This variant is not present in population databases (gnomAD no frequency). This variant has not been reported in the literature in individuals affected with KAT6B-related conditions. Variants that disrupt the consensus splice site are a relatively common cause of aberrant splicing (PMID: 17576681, 9536098). Algorithms developed to predict the effect of sequence changes on RNA splicing suggest that this variant is not likely to affect RNA splicing. In summary, the available evidence is currently insufficient to determine the role of this variant in disease. Therefore, it has been classified as a Variant of Uncertain Significance.

Literature cited by the submitters: PubMed 17576681; PubMed 9536098.